The following is an entry in ClinVar:

NM_013254.4(TBK1):c.452C>T (p.Ser151Phe)

Gene: TBK1 (TANK binding kinase 1; plus strand). Cytogenetic location: 12q14.2.
Variant type: single nucleotide variant.
Coding change: c.452C>T on transcript NM_013254.4 (MANE Select); coding-DNA position 452, C replaced by T.
Protein change: p.Ser151Phe; replaces serine 151 with phenylalanine.
Molecular consequence: missense variant.
Genome position (GRCh38, 1-based): chr12:64,466,994, C>T. VCF-style: chr12-64466994-C-T. GRCh37 (hg19) VCF-style: chr12-64860774-C-T.
Other names: c.452C>T, p.Ser151Phe (LRG_1306t1); short protein forms S151F.
Identifiers: ClinVar variation 266068 (VCV000266068.11), dbSNP rs55824172, ClinGen allele CA6668820.
Genomic context (GRCh38, chr12:64,466,994, plus strand): 5'-TAGTGCACCGTGATATCAAGCCAGGAAATATCATGCGTGTTATAGGGGAAGATGGACAGT[C>T]TGTGTACAAACTCACAGATTTTGGTGCAGCTAGAGAATTAGAAGATGATGAGCAGTTTGT-3'
Protein context (NP_037386.1, residues 141-161): IMRVIGEDGQ[Ser151Phe]VYKLTDFGAA

ClinVar aggregate classification (germline): Conflicting classifications of pathogenicity. Review status: criteria provided, conflicting classifications (1 of 4 stars). 6 submissions from 6 submitters: Likely pathogenic (1); Uncertain significance (4). 1 of the submissions does not count toward it. Last evaluated 2025-09-05.

Conditions:
Frontotemporal dementia and/or amyotrophic lateral sclerosis 4. Also called: FTDALS4. Identifiers: Orphanet 275872, MedGen C4225325, MONDO:0014641, OMIM 616439.
Motor neuron disease. Also called: Degenerative motor system disease; Motor neuron disorder. Identifiers: Orphanet 98503, MedGen C0085084, MONDO:0020128.
Autoinflammation with arthritis and vasculitis. Identifiers: MedGen C5935634, MONDO:0971173, OMIM 620880.
Encephalopathy, acute, infection-induced (herpes-specific), susceptibility to, 8. Also called: HERPES SIMPLEX ENCEPHALITIS, SUSCEPTIBILITY TO, 6. Identifiers: MedGen C4693542, MONDO:0054754, OMIM 617900.
TBK1-related disorder. Also called: TBK1-related condition.

Allele frequency attached by ClinVar (database versions not stated): ExAC 0.00001; TOPMed 0.00004.
gnomAD v4.1: 123 of 1,612,542 alleles (0.0076%); highest among the groups gnomAD compares: Non-Finnish European, 0.0098%; no homozygotes.

Submissions (6):

Labcorp Genetics (formerly Invitae), Labcorp
Classification: Uncertain significance for Frontotemporal dementia and/or amyotrophic lateral sclerosis 4. Last evaluated: 2025-09-05. Review status: criteria provided, single submitter. Criteria: Invitae Variant Classification Sherloc (09022015). Collection method: clinical testing. Allele origin: germline.
Comment: This sequence change replaces serine, which is neutral and polar, with phenylalanine, which is neutral and non-polar, at codon 151 of the TBK1 protein (p.Ser151Phe). This variant is present in population databases (rs55824172, gnomAD 0.004%). This missense change has been observed in individuals with amyotrophic lateral sclerosis and/or TBK1-related conditions (PMID: 21447600, 28089114, 31996268, 37159497; internal data). ClinVar contains an entry for this variant (Variation ID: 266068). Invitae Evidence Modeling of protein sequence and biophysical properties (such as structural, functional, and spatial information, amino acid conservation, physicochemical variation, residue mobility, and thermodynamic stability) indicates that this missense variant is not expected to disrupt TBK1 protein function with a negative predictive value of 95%. Experimental studies have shown that this missense change affects TBK1 function (PMID: 31748271). This variant disrupts the p.Ser151 amino acid residue in TBK1. Other variant(s) that disrupt this residue have been observed in individuals with TBK1-related conditions (internal data), which suggests that this may be a clinically significant amino acid residue. In summary, the available evidence is currently insufficient to determine the role of this variant in disease. Therefore, it has been classified as a Variant of Uncertain Significance.

GeneDx
Classification: Uncertain significance. Last evaluated: 2025-06-30. Review status: criteria provided, single submitter. Criteria: GeneDx Variant Classification Process June 2021. Collection method: clinical testing. Allele origin: germline. Affected: yes.
Comment: Identified in probands with motor neuron disease in published literature (PMID: 28089114, 37159497); In silico analysis supports that this missense variant has a deleterious effect on protein structure/function; This variant is associated with the following publications: (PMID: 34099552, 31748271, 25803835, 28089114, 37159497, 25700176, 27478803, 21447600, 31996268)

Women's Health and Genetics/Laboratory Corporation of America, LabCorp
Classification: Uncertain significance. Last evaluated: 2025-01-06. Review status: criteria provided, single submitter. Criteria: LabCorp Variant Classification Summary - May 2015. Collection method: clinical testing. Allele origin: germline.
Comment: Variant summary: TBK1 c.452C>T (p.Ser151Phe) results in a non-conservative amino acid change located in the Protein kinase domain (IPR000719) of the encoded protein sequence. Four of five in-silico tools predict a damaging effect of the variant on protein function. The variant allele was found at a frequency of 2.4e-05 in 250376 control chromosomes. The available data on variant occurrences in the general population are insufficient to allow any conclusion about variant significance. c.452C>T has been reported in the literature in individuals affected with Amyotrophic lateral sclerosis, motor neuron disease, Dementia with Lewy bodies (Cirulli_2015, Black_2017, Orme_2020, Scaber_2023). These reports do not provide unequivocal conclusions about association of the variant with Autoinflammation with arthritis and vasculitis. At least one publication reports experimental evidence evaluating an impact on protein function and this variant affected protein function (Ye_2019). The following publications have been ascertained in the context of this evaluation (PMID: 28089114, 25700176, 25803835, 31996268, 37159497, 31748271). ClinVar contains an entry for this variant (Variation ID: 266068). Based on the evidence outlined above, the variant was classified as uncertain significance.

Department of Pathology and Laboratory Medicine, Sinai Health System
Classification: Uncertain significance for Frontotemporal dementia and/or amyotrophic lateral sclerosis 4; Encephalopathy, acute, infection-induced (herpes-specific), susceptibility to, 8; Autoinflammation with arthritis and vasculitis. Last evaluated: 2022-09-15. Review status: criteria provided, single submitter. Criteria: ACMG Guidelines, 2015. Collection method: research. Allele origin: germline.

Centre for Genomic and Experimental Medicine, University of Edinburgh
Classification: Likely pathogenic for Motor neuron disease. Last evaluated: 2016-08-31. Review status: criteria provided, single submitter. Criteria: Submitter's publication. Collection method: case-control. Allele origin: unknown. Affected: yes. Observed: 1 heterozygote.

PreventionGenetics, part of Exact Sciences
Classification: Uncertain significance for TBK1-related condition. Last evaluated: 2024-05-23. Review status: no assertion criteria provided. Collection method: clinical testing. Allele origin: germline. Not counted in ClinVar's aggregate classification.
Comment: The TBK1 c.452C>T variant is predicted to result in the amino acid substitution p.Ser151Phe. This variant has been reported in a patient with dementia with Lewy bodies and in a patient with motor neuron disease (Table S3 Orme et al. 2020. PubMed ID: 31996268; Table S4 Black. 2017. PubMed ID: 28089114). However, pathogenicity of the c.452C>T variant was not confirmed through additional studies. This variant is reported in 0.0053% of alleles in individuals of European (Non-Finnish) descent in gnomAD. At this time, the clinical significance of this variant is uncertain due to the absence of conclusive functional and genetic evidence.

Literature cited by the submitters: PubMed 21447600 (cited by Labcorp Genetics (formerly Invitae), Labcorp); PubMed 28089114 (cited by 3 submitters); PubMed 31996268 (cited by Labcorp Genetics (formerly Invitae), Labcorp and Women's Health and Genetics/Laboratory Corporation of America, LabCorp); PubMed 37159497 (cited by Labcorp Genetics (formerly Invitae), Labcorp and Women's Health and Genetics/Laboratory Corporation of America, LabCorp); PubMed 31748271 (cited by Labcorp Genetics (formerly Invitae), Labcorp and Women's Health and Genetics/Laboratory Corporation of America, LabCorp); PubMed 25700176 (cited by Women's Health and Genetics/Laboratory Corporation of America, LabCorp); PubMed 25803835 (cited by Women's Health and Genetics/Laboratory Corporation of America, LabCorp).